The following is an entry in ClinVar:

ClinVar aggregate classification (germline): Uncertain significance (1 of 4 stars; one submission).

Conditions:
Developmental and epileptic encephalopathy, 36 (DEE36). Also called: Congenital disorder of glycosylation, type Is; Epileptic encephalopathy, early infantile, 36; ALG13-CDG. Identifiers: Orphanet 324422, MedGen C4317295, MONDO:0010472, OMIM 300884.

Allele frequency attached by ClinVar (database versions not stated): gnomAD exomes 0.00001.
gnomAD v4.1: 3 of 1,211,242 alleles (0.00025%); highest among the groups gnomAD compares: South Asian, 0.0018%; no homozygotes.

Submission:

Labcorp Genetics (formerly Invitae), Labcorp
Classification: Uncertain significance for Developmental and epileptic encephalopathy, 36. Last evaluated: 2025-02-03. Review status: criteria provided, single submitter. Criteria: Invitae Variant Classification Sherloc (09022015). Collection method: clinical testing. Allele origin: germline.
Comment: This sequence change replaces glycine, which is neutral and non-polar, with valine, which is neutral and non-polar, at codon 564 of the ALG13 protein (p.Gly564Val). This variant is not present in population databases (gnomAD no frequency). This variant has not been reported in the literature in individuals affected with ALG13-related conditions. ClinVar contains an entry for this variant (Variation ID: 2902845). Invitae Evidence Modeling of protein sequence and biophysical properties (such as structural, functional, and spatial information, amino acid conservation, physicochemical variation, residue mobility, and thermodynamic stability) has been performed for this missense variant. However, the output from this modeling did not meet the statistical confidence thresholds required to predict the impact of this variant on ALG13 protein function. In summary, the available evidence is currently insufficient to determine the role of this variant in disease. Therefore, it has been classified as a Variant of Uncertain Significance.

NM_001099922.3(ALG13):c.1691G>T (p.Gly564Val)

Gene: ALG13 (ALG13 UDP-N-acetylglucosaminyltransferase subunit; plus strand). Cytogenetic location: Xq23.
Variant type: single nucleotide variant.
Coding change: c.1691G>T on transcript NM_001099922.3 (MANE Select); coding-DNA position 1691, G replaced by T.
Protein change: p.Gly564Val; replaces glycine 564 with valine.
Molecular consequence: missense variant. On other transcripts: non-coding transcript variant (1).
Genome position (GRCh38, 1-based): chrX:111,725,023, G>T. VCF-style: chrX-111725023-G-T. GRCh37 (hg19) VCF-style: chrX-110968251-G-T.
Other names: c.1379G>T, p.Gly460Val (NM_001257230.2, NM_001257234.2, NM_001257237.2); c.1457G>T, p.Gly486Val (NM_001257231.2); c.1691G>T, p.Gly564Val (NM_001324292.2); c.1205G>T, p.Gly402Val (NM_001324293.1); short protein forms G460V, G486V, G564V, G402V.
Identifiers: ClinVar variation 2902845 (VCV002902845.3), dbSNP rs1941818818, ClinGen allele CA414252315.